The following is an entry in ClinVar:

NM_014727.3(KMT2B):c.5438-3C>T

Gene: KMT2B (lysine methyltransferase 2B; plus strand). Cytogenetic location: 19q13.12.
Variant type: single nucleotide variant.
Coding change: c.5438-3C>T on transcript NM_014727.3 (MANE Select); 3 bases into the intron before coding-DNA position 5438, C replaced by T.
Molecular consequence: intron variant.
Genome position (GRCh38, 1-based): chr19:35,731,905, C>T. VCF-style: chr19-35731905-C-T. GRCh37 (hg19) VCF-style: chr19-36222806-C-T.
Identifiers: ClinVar variation 1399712 (VCV001399712.7), dbSNP rs781107977, ClinGen allele CA9385422.

ClinVar aggregate classification (germline): Uncertain significance (1 of 4 stars; one submission).

Allele frequency attached by ClinVar (database versions not stated): gnomAD exomes 0.00002 and 0.00003; ExAC 0.00003; gnomAD 0.00003; TOPMed 0.00003.
gnomAD v4.1: 45 of 1,611,040 alleles (0.0028%); highest among the groups gnomAD compares: Non-Finnish European, 0.0037%; no homozygotes.

Submissions (2):

Labcorp Genetics (formerly Invitae), Labcorp
Classification: Uncertain significance. Last evaluated: 2023-06-16. Review status: criteria provided, single submitter. Criteria: Invitae Variant Classification Sherloc (09022015). Collection method: clinical testing. Allele origin: germline.
Comment: In summary, the available evidence is currently insufficient to determine the role of this variant in disease. Therefore, it has been classified as a Variant of Uncertain Significance. This sequence change falls in intron 26 of the KMT2B gene. It does not directly change the encoded amino acid sequence of the KMT2B protein. It affects a nucleotide within the consensus splice site. This variant is present in population databases (rs781107977, gnomAD 0.005%). This variant has not been reported in the literature in individuals affected with KMT2B-related conditions. ClinVar contains an entry for this variant (Variation ID: 1399712). Variants that disrupt the consensus splice site are a relatively common cause of aberrant splicing (PMID: 17576681, 9536098). Algorithms developed to predict the effect of sequence changes on RNA splicing suggest that this variant is not likely to affect RNA splicing.

Dr. Peter K. Rogan Lab, Western University
No classification provided (evidence only). Condition: Ovarian serous cystadenocarcinoma. Review status: no classification provided. Collection method: in vitro. Allele origin: not applicable. Functional consequence: retained intron. Not counted in ClinVar's aggregate classification.

Literature cited by the submitters: PubMed 17576681 (cited by Labcorp Genetics (formerly Invitae), Labcorp); PubMed 9536098 (cited by Labcorp Genetics (formerly Invitae), Labcorp).